The following is an entry in ClinVar:

ClinVar aggregate classification (germline): Uncertain significance (1 of 4 stars; one submission).

gnomAD v4.1: 1 of 1,612,420 alleles (0.000062%); highest among the groups gnomAD compares: Non-Finnish European, 0.000085%; no homozygotes.

Submission:

Labcorp Genetics (formerly Invitae), Labcorp
Classification: Uncertain significance. Last evaluated: 2023-03-30. Review status: criteria provided, single submitter. Criteria: Invitae Variant Classification Sherloc (09022015). Collection method: clinical testing. Allele origin: germline.
Comment: In summary, the available evidence is currently insufficient to determine the role of this variant in disease. Therefore, it has been classified as a Variant of Uncertain Significance. Advanced modeling of protein sequence and biophysical properties (such as structural, functional, and spatial information, amino acid conservation, physicochemical variation, residue mobility, and thermodynamic stability) performed at Invitae indicates that this missense variant is not expected to disrupt POLE protein function. This variant has not been reported in the literature in individuals affected with POLE-related conditions. This variant is not present in population databases (gnomAD no frequency). This sequence change replaces glutamine, which is neutral and polar, with histidine, which is basic and polar, at codon 1280 of the POLE protein (p.Gln1280His).

NM_006231.4(POLE):c.3840G>C (p.Gln1280His)

Gene: POLE (DNA polymerase epsilon, catalytic subunit; minus strand). Cytogenetic location: 12q24.33.
Variant type: single nucleotide variant.
Coding change: c.3840G>C on transcript NM_006231.4 (MANE Select); coding-DNA position 3840, G replaced by C.
Protein change: p.Gln1280His; replaces glutamine 1280 with histidine.
Molecular consequence: missense variant.
Genome position (GRCh38, 1-based): chr12:132,649,471, C>G on the plus strand (G>C on the coding strand, the complement: POLE is on the minus strand). VCF-style: chr12-132649471-C-G. GRCh37 (hg19) VCF-style: chr12-133226057-C-G.
Other names: short protein forms Q1280H.
Identifiers: ClinVar variation 2850917 (VCV002850917.3), dbSNP rs1464485961, ClinGen allele CA387385486.